The following is an entry in ClinVar:

NM_001367624.2(ZNF469):c.9368G>C (p.Arg3123Pro)

Gene: ZNF469 (zinc finger protein 469; plus strand). Cytogenetic location: 16q24.2.
Variant type: single nucleotide variant.
Coding change: c.9368G>C on transcript NM_001367624.2 (MANE Select); coding-DNA position 9368, G replaced by C.
Protein change: p.Arg3123Pro; replaces arginine 3123 with proline.
Molecular consequence: missense variant.
Genome position (GRCh38, 1-based): chr16:88,436,838, G>C. VCF-style: chr16-88436838-G-C. GRCh37 (hg19) VCF-style: chr16-88503246-G-C.
Other names: NM_001127464.1:c.9284G>C; short protein forms R3123P.
Identifiers: ClinVar variation 2626119 (VCV002626119.3), dbSNP rs536601676, ClinGen allele CA286385346.

ClinVar aggregate classification (germline): Uncertain significance. Review status: criteria provided, multiple submitters, no conflicts (2 of 4 stars). 2 submissions from 2 submitters: Uncertain significance (2). Last evaluated 2026-02-23.

Conditions:
Cardiovascular phenotype. Identifiers: MedGen CN230736.

Allele frequency attached by ClinVar (database versions not stated): 1000 Genomes Project 30x 0.00078; 1000 Genomes Project 0.00100.
gnomAD v4.1: 13 of 1,533,978 alleles (0.00085%); highest among the groups gnomAD compares: East Asian, 0.025%; no homozygotes.

Submissions (2):

Women's Health and Genetics/Laboratory Corporation of America, LabCorp
Classification: Uncertain significance. Last evaluated: 2026-02-23. Review status: criteria provided, single submitter. Criteria: LabCorp Variant Classification Summary - May 2015. Collection method: clinical testing. Allele origin: germline.
Comment: Variant summary: ZNF469 c.9368G>C (p.Arg3123Pro) results in a non-conservative amino acid change in the encoded protein sequence. Algorithms developed to predict the effect of missense changes on protein structure and function are either unavailable or do not agree on the potential impact of this missense change. The variant allele was found at a frequency of 1.5e-05 in 133782 control chromosomes. The available data on variant occurrences in the general population are insufficient to allow any conclusion about variant significance. To our knowledge, no occurrence of c.9368G>C in individuals affected with ZNF469-related conditions and no experimental evidence demonstrating its impact on protein function have been reported. ClinVar contains an entry for this variant (Variation ID: 2626119). Based on the evidence outlined above, the variant was classified as uncertain significance.

Ambry Genetics
Classification: Uncertain significance for Cardiovascular phenotype. Last evaluated: 2023-07-13. Review status: criteria provided, single submitter. Criteria: Ambry Variant Classification Scheme 2023. Collection method: clinical testing. Allele origin: germline.
Comment: The p.R3095P variant (also known as c.9284G>C), located in coding exon 2 of the ZNF469 gene, results from a G to C substitution at nucleotide position 9284. The arginine at codon 3095 is replaced by proline, an amino acid with dissimilar properties. This amino acid position is conserved. In addition, the in silico prediction for this alteration is inconclusive. Since supporting evidence is limited at this time, the clinical significance of this alteration remains unclear.